The following is an entry in ClinVar:

NM_006648.4(WNK2):c.2936T>C (p.Val979Ala)

Gene: WNK2 (WNK lysine deficient protein kinase 2; plus strand). Cytogenetic location: 9q22.31.
Variant type: single nucleotide variant.
Coding change: c.2936T>C on transcript NM_006648.4 (MANE Select); coding-DNA position 2936, T replaced by C.
Protein change: p.Val979Ala; replaces valine 979 with alanine.
Molecular consequence: missense variant.
Genome position (GRCh38, 1-based): chr9:93,259,484, T>C. VCF-style: chr9-93259484-T-C. GRCh37 (hg19) VCF-style: chr9-96021766-T-C.
Other names: c.2936T>C, p.Val979Ala (NM_001282394.3); short protein forms V979A.
Identifiers: ClinVar variation 5031981 (VCV005031981.1).

ClinVar aggregate classification (germline): Uncertain significance (1 of 4 stars; one submission).

Submission:

Ambry Genetics
Classification: Uncertain significance. Last evaluated: 2026-09-08. Review status: criteria provided, single submitter. Criteria: Ambry Variant Classification Scheme 2023. Collection method: clinical testing. Allele origin: germline.
Comment: The p.V979A variant (also known as c.2936T>C), located in coding exon 11 of the WNK2 gene, results from a T to C substitution at nucleotide position 2936. The valine at codon 979 is replaced by alanine, an amino acid with similar properties. This amino acid position is conserved. In addition, this alteration is predicted to be tolerated by in silico analysis. Based on the available evidence, the clinical significance of this variant remains unclear.